The following is an entry in ClinVar:

NM_000465.4(BARD1):c.1160T>G (p.Phe387Cys)

Gene: BARD1 (BRCA1 associated RING domain 1; minus strand). Cytogenetic location: 2q35.
Variant type: single nucleotide variant.
Coding change: c.1160T>G on transcript NM_000465.4 (MANE Select); coding-DNA position 1160, T replaced by G.
Protein change: p.Phe387Cys; replaces phenylalanine 387 with cysteine.
Molecular consequence: missense variant. On other transcripts: non-coding transcript variant (2), intron variant (3).
Genome position (GRCh38, 1-based): chr2:214,780,714, A>C on the plus strand (T>G on the coding strand, the complement: BARD1 is on the minus strand). VCF-style: chr2-214780714-A-C. GRCh37 (hg19) VCF-style: chr2-215645438-A-C.
Other names: c.1103T>G, p.Phe368Cys (NM_001282543.2); c.159-28159T>G (NM_001282548.2); c.215+16347T>G (NM_001282545.2); c.364+11583T>G (NM_001282549.2); c.1160T>G (NM_000465.2); short protein forms F368C, F387C.
Identifiers: ClinVar variation 845769 (VCV000845769.16), dbSNP rs776631398, ClinGen allele CA2090333.

ClinVar aggregate classification (germline): Uncertain significance. Review status: criteria provided, multiple submitters, no conflicts (2 of 4 stars). 5 submissions from 5 submitters: Uncertain significance (5). Last evaluated 2025-12-26.

Conditions:
Hereditary cancer-predisposing syndrome. Also called: Tumor predisposition; Hereditary neoplastic syndrome; Neoplastic Syndromes, Hereditary; Hereditary Cancer Syndrome. Identifiers: Orphanet 140162, MedGen C0027672, MeSH D009386, MONDO:0015356.
Familial cancer of breast. Also called: hereditary breast carcinoma; Hereditary breast cancer; BREAST CANCER, FAMILIAL. Identifiers: Orphanet 227535, MedGen C0346153, MONDO:0016419, OMIM 114480. Disease mechanism: loss of function.

Allele frequency attached by ClinVar (database versions not stated): TOPMed below 0.00001; ExAC 0.00001; gnomAD 0.00001; gnomAD exomes 0.00001.
gnomAD v4.1: 6 of 1,613,954 alleles (0.00037%); highest among the groups gnomAD compares: East Asian, 0.0089%; no homozygotes.

Submissions (5):

Labcorp Genetics (formerly Invitae), Labcorp
Classification: Uncertain significance for Familial cancer of breast. Last evaluated: 2025-12-26. Review status: criteria provided, single submitter. Criteria: Invitae Variant Classification Sherloc (09022015). Collection method: clinical testing. Allele origin: germline.
Comment: This sequence change replaces phenylalanine, which is neutral and non-polar, with cysteine, which is neutral and slightly polar, at codon 387 of the BARD1 protein (p.Phe387Cys). This variant is present in population databases (rs776631398, gnomAD 0.01%). This variant has not been reported in the literature in individuals affected with BARD1-related conditions. ClinVar contains an entry for this variant (Variation ID: 845769). An algorithm developed to predict the effect of missense changes on protein structure and function (PolyPhen-2) suggests that this variant is likely to be tolerated. In summary, the available evidence is currently insufficient to determine the role of this variant in disease. Therefore, it has been classified as a Variant of Uncertain Significance.

Color Diagnostics, LLC DBA Color Health
Classification: Uncertain significance for Hereditary cancer-predisposing syndrome. Last evaluated: 2024-03-06. Review status: criteria provided, single submitter. Criteria: ACMG Guidelines, 2015. Collection method: clinical testing. Allele origin: germline.
Comment: This missense variant replaces phenylalanine with cysteine at codon 387 of the BARD1 protein. Computational prediction tool suggests that this variant may not impact protein structure and function (internally defined REVEL score threshold <=0.5, PMID: 27666373). Splice site prediction tools suggest that this variant may not impact RNA splicing. To our knowledge, functional studies have not been performed for this variant. This variant has not been reported in individuals affected with hereditary cancer in the literature. This variant has been identified in 3/251204 chromosomes in the general population by the Genome Aggregation Database (gnomAD). The available evidence is insufficient to determine the role of this variant in disease conclusively. Therefore, this variant is classified as a Variant of Uncertain Significance.

Fulgent Genetics
Classification: Uncertain significance for Familial cancer of breast. Last evaluated: 2024-02-02. Review status: criteria provided, single submitter. Criteria: ACMG Guidelines, 2015. Collection method: clinical testing. Allele origin: germline.

Ambry Genetics
Classification: Uncertain significance for Hereditary cancer-predisposing syndrome. Last evaluated: 2023-03-20. Review status: criteria provided, single submitter. Criteria: Ambry Variant Classification Scheme 2023. Collection method: clinical testing. Allele origin: germline.
Comment: The p.F387C variant (also known as c.1160T>G), located in coding exon 4 of the BARD1 gene, results from a T to G substitution at nucleotide position 1160. The phenylalanine at codon 387 is replaced by cysteine, an amino acid with highly dissimilar properties. This amino acid position is poorly conserved in available vertebrate species. In addition, this alteration is predicted to be tolerated by in silico analysis. Since supporting evidence is limited at this time, the clinical significance of this alteration remains unclear.

Quest Diagnostics Nichols Institute San Juan Capistrano
Classification: Uncertain significance. Last evaluated: 2020-01-30. Review status: criteria provided, single submitter. Criteria: Quest Diagnostics criteria. Collection method: clinical testing. Allele origin: unknown.